The following is an entry in ClinVar:

ClinVar aggregate classification (germline): Uncertain significance (1 of 4 stars; one submission).

Conditions:
Baller-Gerold syndrome (BGS). Also called: CRANIOSYNOSTOSIS WITH RADIAL DEFECTS. Identifiers: Orphanet 1225, MedGen C0265308, MONDO:0009039, OMIM 218600.

Submission:

Labcorp Genetics (formerly Invitae), Labcorp
Classification: Uncertain significance for Baller-Gerold syndrome. Last evaluated: 2023-08-01. Review status: criteria provided, single submitter. Criteria: Invitae Variant Classification Sherloc (09022015). Collection method: clinical testing. Allele origin: germline.
Comment: This sequence change replaces serine, which is neutral and polar, with phenylalanine, which is neutral and non-polar, at codon 677 of the RECQL4 protein (p.Ser677Phe). This variant is not present in population databases (gnomAD no frequency). This variant has not been reported in the literature in individuals affected with RECQL4-related conditions. Advanced modeling of protein sequence and biophysical properties (such as structural, functional, and spatial information, amino acid conservation, physicochemical variation, residue mobility, and thermodynamic stability) performed at Invitae indicates that this missense variant is expected to disrupt RECQL4 protein function. In summary, the available evidence is currently insufficient to determine the role of this variant in disease. Therefore, it has been classified as a Variant of Uncertain Significance.

NM_004260.4(RECQL4):c.2030C>T (p.Ser677Phe)

Gene: RECQL4 (RecQ like helicase 4; minus strand). Cytogenetic location: 8q24.3.
Variant type: single nucleotide variant.
Coding change: c.2030C>T on transcript NM_004260.4 (MANE Select); coding-DNA position 2030, C replaced by T.
Protein change: p.Ser677Phe; replaces serine 677 with phenylalanine.
Molecular consequence: missense variant. On other transcripts: non-coding transcript variant (3).
Genome position (GRCh38, 1-based): chr8:144,513,956, G>A on the plus strand (C>T on the coding strand, the complement: RECQL4 is on the minus strand). VCF-style: chr8-144513956-G-A. GRCh37 (hg19) VCF-style: chr8-145739340-G-A.
Other names: c.1934C>T, p.Ser645Phe (NM_001413017.1, NM_001413020.1); c.2030C>T, p.Ser677Phe (NM_001413018.1, NM_001413019.1, NM_001413036.1); c.959C>T, p.Ser320Phe (NM_001413021.1, NM_001413022.1, NM_001413023.1 and 6 more transcripts); c.1901C>T, p.Ser634Phe (NM_001413025.1); c.893C>T, p.Ser298Phe (NM_001413027.1, NM_001413030.1, NM_001413032.1 and 1 more transcripts); c.1679C>T, p.Ser560Phe (NM_001413029.1); c.761C>T, p.Ser254Phe (NM_001413031.1); c.1898C>T, p.Ser633Phe (NM_001413033.1); and 4 more; short protein forms S320F, S560F, S188F, S254F, S645F, S667F, S276F, S310F.
Identifiers: ClinVar variation 2771472 (VCV002771472.3), dbSNP rs1340252869, ClinGen allele CA372680273.